The following is an entry in ClinVar:

ClinVar aggregate classification (germline): Uncertain significance. Review status: criteria provided, multiple submitters, no conflicts (2 of 4 stars). 2 submissions from 2 submitters: Uncertain significance (2). Last evaluated 2022-07-19.

Conditions:
Zellweger spectrum disorders (ZS). Also called: Zellweger syndrome; Zellweger Spectrum Disorder (ZSD); Zellweger Spectrum Disorder; Zellweger Spectrum. Identifiers: Orphanet 912, MedGen C0043459, MONDO:0019609.

Allele frequency attached by ClinVar (database versions not stated): gnomAD exomes below 0.00001 and 0.00001; gnomAD 0.00001.
gnomAD v4.1: 7 of 1,613,754 alleles (0.00043%); highest among the groups gnomAD compares: East Asian, 0.0022%; no homozygotes.

Submissions (2):

Labcorp Genetics (formerly Invitae), Labcorp
Classification: Uncertain significance for Zellweger spectrum disorders. Last evaluated: 2022-07-19. Review status: criteria provided, single submitter. Criteria: Invitae Variant Classification Sherloc (09022015). Collection method: clinical testing. Allele origin: germline.
Comment: This variant is present in population databases (rs398123407, gnomAD 0.006%). This sequence change replaces asparagine, which is neutral and polar, with serine, which is neutral and polar, at codon 396 of the PEX1 protein (p.Asn396Ser). This variant has not been reported in the literature in individuals affected with PEX1-related conditions. In summary, the available evidence is currently insufficient to determine the role of this variant in disease. Therefore, it has been classified as a Variant of Uncertain Significance. Advanced modeling of protein sequence and biophysical properties (such as structural, functional, and spatial information, amino acid conservation, physicochemical variation, residue mobility, and thermodynamic stability) performed at Invitae indicates that this missense variant is not expected to disrupt PEX1 protein function. ClinVar contains an entry for this variant (Variation ID: 93101).

Eurofins Ntd Llc (ga)
Classification: Uncertain significance. Last evaluated: 2013-09-04. Review status: criteria provided, single submitter. Criteria: EGL Classification Definitions 2015. Collection method: clinical testing. Allele origin: germline. Observed: 1 variant allele, 1 heterozygote.

NM_000466.3(PEX1):c.1187A>G (p.Asn396Ser)

Gene: PEX1 (peroxisomal biogenesis factor 1; minus strand). Cytogenetic location: 7q21.2.
Variant type: single nucleotide variant.
Coding change: c.1187A>G on transcript NM_000466.3 (MANE Select); coding-DNA position 1187, A replaced by G.
Protein change: p.Asn396Ser; replaces asparagine 396 with serine.
Molecular consequence: missense variant.
Genome position (GRCh38, 1-based): chr7:92,517,328, T>C on the plus strand (A>G on the coding strand, the complement: PEX1 is on the minus strand). VCF-style: chr7-92517328-T-C. GRCh37 (hg19) VCF-style: chr7-92146642-T-C.
Other names: c.1187A>G, p.Asn396Ser (NM_001282677.2); c.563A>G, p.Asn188Ser (NM_001282678.2); short protein forms N396S, N188S.
Identifiers: ClinVar variation 93101 (VCV000093101.13), dbSNP rs398123407, ClinGen allele CA220971.